The following is an entry in ClinVar:

ClinVar aggregate classification (germline): Pathogenic/Likely pathogenic. Review status: criteria provided, multiple submitters, no conflicts (2 of 4 stars). 9 submissions from 9 submitters: Pathogenic (3); Likely pathogenic (3). 3 of the submissions do not count toward it. Last evaluated 2025-11-19.

Conditions:
Multiple system atrophy 1, susceptibility to. Also called: MSA1, SUSCEPTIBILITY TO. Identifiers: MedGen C3714927, MONDO:0020715, OMIM 146500.
Coenzyme Q10 deficiency, primary, 1. Also called: UBIQUINONE DEFICIENCY 1; COENZYME Q DEFICIENCY 1; CoQ DEFICIENCY 1. Identifiers: Orphanet 255249, MedGen C3551954, MONDO:0011829, OMIM 607426.
COQ2-related disorder. Also called: COQ2-related condition.
Coenzyme Q10 deficiency. Also called: Coenzyme Q10 deficiency, primary. Identifiers: Orphanet 35656, MedGen C1843920, MONDO:0018151.

Allele frequency attached by ClinVar (database versions not stated): TOPMed 0.00002; ExAC 0.00001; gnomAD 0.00003; gnomAD exomes 0.00001.
gnomAD v4.1: 34 of 1,613,302 alleles (0.0021%); highest among the groups gnomAD compares: African/African-American, 0.004%; no homozygotes.

Submissions (9):

Rady Children's Institute for Genomic Medicine, Rady Children's Hospital San Diego
Classification: Likely pathogenic for COQ2-related coenzyme Q10 deficiency. Last evaluated: 2025-11-19. Review status: criteria provided, single submitter. Criteria: ACMG Guidelines, 2015. Collection method: clinical testing. Allele origin: germline. Affected: yes.
Comment: This variant results in a c.590G>A (p.Arg197His) change in an alternate transcript (NM_015697.9). This variant has been previously reported as a compound heterozygous change in patients with coenzyme Q10 deficiency (PMID: 35483523, 17855635, 20495179). The c.440G>A (p.Arg147His) variant affects a highly conserved amino acid and is predicted by multiple in silico tools to have a deleterious effect on protein function. Functional studies using a yeast model demonstrated that the p.Arg147His variant failed to restore respiratory growth to wildtype levels (PMID: 27493029). The c.440G>A (p.Arg147His) variant is present in the latest version of the gnomAD population database at an allele frequency of 0.002% (34/1613302), and is absent in the homozygous state, thus is presumed to be rare. Based on the available evidence, c.440G>A (p.Arg147His) is classified as Likely Pathogenic.

Blueprint Genetics
Classification: Pathogenic for COQ2-related disorders. Last evaluated: 2023-06-19. Review status: criteria provided, single submitter. Criteria: ACMG Guidelines, 2015. Collection method: clinical testing. Allele origin: germline. Affected: yes. Observed: 2 variant alleles.

Fulgent Genetics
Classification: Likely pathogenic for Multiple system atrophy 1, susceptibility to; Coenzyme Q10 deficiency, primary, 1. Last evaluated: 2021-09-14. Review status: criteria provided, single submitter. Criteria: ACMG Guidelines, 2015. Collection method: clinical testing. Allele origin: unknown.

GeneDx
Classification: Likely pathogenic. Last evaluated: 2020-12-30. Review status: criteria provided, single submitter. Criteria: GeneDx Variant Classification Process June 2021. Collection method: clinical testing. Allele origin: germline. Affected: yes.
Comment: Yeast complementation analyses showed failure of this variant to restore respiratory growth to wild type levels (Desbats et al., 2016); Not observed at a significant frequency in large population cohorts (Lek et al., 2016); In silico analysis supports that this missense variant has a deleterious effect on protein structure/function; This variant is associated with the following publications: (PMID: 33587123, 31216405, 28125198, 16400613, 29961769, 29296619, 17855635, 18235438, 27493029, 25525159)

Baylor Genetics
Classification: Pathogenic for Coenzyme Q10 deficiency, primary, 1. Last evaluated: 2018-10-12. Review status: criteria provided, single submitter. Criteria: ACMG Guidelines, 2015. Collection method: clinical testing. Allele origin: germline. Affected: yes.

Institute of Human Genetics Munich, TUM University Hospital
Classification: Pathogenic for Coenzyme Q10 deficiency, primary, 1. Last evaluated: 2018-01-04. Review status: criteria provided, single submitter. Criteria: Classification criteria August 2017. Collection method: clinical testing. Allele origin: germline. Inheritance: Autosomal recessive inheritance. Affected: yes. Observed: 1 compound heterozygote.

SingHealth Duke-NUS Institute of Precision Medicine
Classification: Likely pathogenic for Coenzyme Q10 deficiency, primary, 1. Last evaluated: 2017-06-07. Review status: no assertion criteria provided. Collection method: curation. Allele origin: germline. Affected: no. Not counted in ClinVar's aggregate classification.

OMIM
Classification: Pathogenic for COENZYME Q10 DEFICIENCY, PRIMARY, 1. Last evaluated: 2007-10-01. Review status: no assertion criteria provided. Collection method: literature only. Allele origin: germline. Not counted in ClinVar's aggregate classification.

GeneReviews
No classification provided. Condition: Coenzyme Q10 deficiency. Review status: no classification provided. Collection method: literature only. Allele origin: germline. Not counted in ClinVar's aggregate classification.

Literature cited by the submitters: PubMed 17855635 (cited by 3 submitters); PubMed 20495179 (cited by Rady Children's Institute for Genomic Medicine, Rady Children's Hospital San Diego); PubMed 27493029 (cited by Rady Children's Institute for Genomic Medicine, Rady Children's Hospital San Diego and Baylor Genetics); PubMed 35483523 (cited by Rady Children's Institute for Genomic Medicine, Rady Children's Hospital San Diego); PubMed 25525159 (cited by Baylor Genetics); PubMed 16400613 (cited by OMIM); NCBI Bookshelf NBK410087 (cited by GeneReviews).

NM_001358921.2(COQ2):c.440G>A (p.Arg147His)

Gene: COQ2 (coenzyme Q2, polyprenyltransferase; minus strand). Cytogenetic location: 4q21.23.
Variant type: single nucleotide variant.
Coding change: c.440G>A on transcript NM_001358921.2 (MANE Select); coding-DNA position 440, G replaced by A.
Protein change: p.Arg147His; replaces arginine 147 with histidine.
Molecular consequence: missense variant.
Genome position (GRCh38, 1-based): chr4:83,273,598, C>T on the plus strand (G>A on the coding strand, the complement: COQ2 is on the minus strand). VCF-style: chr4-83273598-C-T. GRCh37 (hg19) VCF-style: chr4-84194751-C-T.
Other names: c.590G>A, p.Arg197His (NM_015697.9); short protein forms R197H, R147H.
Identifiers: ClinVar variation 1438 (VCV000001438.12), dbSNP rs121918231, ClinGen allele CA250021.